The following is an entry in ClinVar:

NM_005518.4(HMGCS2):c.71C>T (p.Thr24Ile)

Genes: HMGCS2 (3-hydroxy-3-methylglutaryl-CoA synthase 2; minus strand), LOC122094910 (Sharpr-MPRA regulatory region 1341; plus strand). Cytogenetic location: 1p12.
Variant type: single nucleotide variant.
Coding change: c.71C>T on transcript NM_005518.4 (MANE Select); coding-DNA position 71, C replaced by T.
Protein change: p.Thr24Ile; replaces threonine 24 with isoleucine.
Molecular consequence: missense variant.
Genome position (GRCh38, 1-based): chr1:119,768,774, G>A on the plus strand (C>T on the coding strand, the complement: HMGCS2 is on the minus strand). VCF-style: chr1-119768774-G-A. GRCh37 (hg19) VCF-style: chr1-120311397-G-A.
Other names: c.71C>T, p.Thr24Ile (NM_001166107.1); short protein forms T24I.
Identifiers: ClinVar variation 582343 (VCV000582343.8), dbSNP rs369221781, ClinGen allele CA1037990.

ClinVar aggregate classification (germline): Uncertain significance (1 of 4 stars; one submission).

Conditions:
3-hydroxy-3-methylglutaryl-CoA synthase deficiency (HMGCS2D). Also called: MITOCHONDRIAL HMG-CoA SYNTHASE DEFICIENCY; HMG-CoA synthase-2 deficiency; HMGCS2 DEFICIENCY. Identifiers: Orphanet 35701, MedGen C2751532, MONDO:0011614, OMIM 605911.

Allele frequency attached by ClinVar (database versions not stated): ExAC 0.00004; gnomAD exomes 0.00005 and 0.00011; ESP Exome Variant Server 0.00008; gnomAD 0.00008 and 0.00009; TOPMed 0.00008.
gnomAD v4.1: 174 of 1,613,958 alleles (0.011%); highest among the groups gnomAD compares: Non-Finnish European, 0.014%; no homozygotes.

Submission:

Labcorp Genetics (formerly Invitae), Labcorp
Classification: Uncertain significance for 3-hydroxy-3-methylglutaryl-CoA synthase deficiency. Last evaluated: 2018-04-26. Review status: criteria provided, single submitter. Criteria: Invitae Variant Classification Sherloc (09022015). Collection method: clinical testing. Allele origin: germline.
Comment: Algorithms developed to predict the effect of missense changes on protein structure and function (SIFT, PolyPhen-2, Align-GVGD) all suggest that this variant is likely to be tolerated, but these predictions have not been confirmed by published functional studies and their clinical significance is uncertain. In summary, the available evidence is currently insufficient to determine the role of this variant in disease. Therefore, it has been classified as a Variant of Uncertain Significance. This variant has not been reported in the literature in individuals with HMGCS2-related disease. This variant is present in population databases (rs369221781, ExAC 0.02%). This sequence change replaces threonine with isoleucine at codon 24 of the HMGCS2 protein (p.Thr24Ile). The threonine residue is weakly conserved and there is a moderate physicochemical difference between threonine and isoleucine.